The following is an entry in ClinVar:

ClinVar aggregate classification (germline): Uncertain significance. Review status: criteria provided, multiple submitters, no conflicts (2 of 4 stars). 3 submissions from 3 submitters: Uncertain significance (3). Last evaluated 2025-09-30.

Conditions:
COL11A2-related disorder. Also called: COL11A2-related condition; COL11A2-related disorders.
Inborn genetic diseases. Identifiers: MedGen C0950123, MeSH D030342.

Allele frequency attached by ClinVar (database versions not stated): TOPMed 0.00001.
gnomAD v4.1: 6 of 1,586,344 alleles (0.00038%); no homozygotes.

Submissions (3):

PreventionGenetics, part of Exact Sciences
Classification: Uncertain significance for COL11A2-related condition. Last evaluated: 2025-09-30. Review status: criteria provided, single submitter. Criteria: ACMG Guidelines, 2015. Collection method: clinical testing. Allele origin: germline.
Comment: The COL11A2 c.2480C>G variant is predicted to result in the amino acid substitution p.Ala827Gly. To our knowledge, this variant has not been reported in the literature or in a large population database (gnomAD), indicating this variant is rare. At this time, the clinical significance of this variant is uncertain due to the absence of conclusive functional and genetic evidence.

Labcorp Genetics (formerly Invitae), Labcorp
Classification: Uncertain significance. Last evaluated: 2025-07-02. Review status: criteria provided, single submitter. Criteria: Invitae Variant Classification Sherloc (09022015). Collection method: clinical testing. Allele origin: germline.
Comment: This sequence change replaces alanine, which is neutral and non-polar, with glycine, which is neutral and non-polar, at codon 827 of the COL11A2 protein (p.Ala827Gly). This variant is not present in population databases (gnomAD no frequency). This variant has not been reported in the literature in individuals affected with COL11A2-related conditions. ClinVar contains an entry for this variant (Variation ID: 1519688). Invitae Evidence Modeling of protein sequence and biophysical properties (such as structural, functional, and spatial information, amino acid conservation, physicochemical variation, residue mobility, and thermodynamic stability) indicates that this missense variant is not expected to disrupt COL11A2 protein function with a negative predictive value of 95%. In summary, the available evidence is currently insufficient to determine the role of this variant in disease. Therefore, it has been classified as a Variant of Uncertain Significance.

Ambry Genetics
Classification: Uncertain significance for Inborn genetic diseases. Last evaluated: 2024-12-29. Review status: criteria provided, single submitter. Criteria: Ambry Variant Classification Scheme 2023. Collection method: clinical testing. Allele origin: germline.

NM_080680.3(COL11A2):c.2480C>G (p.Ala827Gly)

Gene: COL11A2 (collagen type XI alpha 2 chain; minus strand). Cytogenetic location: 6p21.32.
Variant type: single nucleotide variant.
Coding change: c.2480C>G on transcript NM_080680.3 (MANE Select); coding-DNA position 2480, C replaced by G.
Protein change: p.Ala827Gly; replaces alanine 827 with glycine.
Molecular consequence: missense variant.
Genome position (GRCh38, 1-based): chr6:33,174,169, G>C on the plus strand (C>G on the coding strand, the complement: COL11A2 is on the minus strand). VCF-style: chr6-33174169-G-C. GRCh37 (hg19) VCF-style: chr6-33141946-G-C.
Other names: c.2159C>G, p.Ala720Gly (NM_080679.3); c.2222C>G, p.Ala741Gly (NM_080681.3); c.2480C>G (NM_080680.2); short protein forms A720G, A827G, A741G.
Identifiers: ClinVar variation 1519688 (VCV001519688.7), dbSNP rs1770563308, ClinGen allele CA363643580.